The following is an entry in ClinVar:

ClinVar aggregate classification (germline): Uncertain significance (1 of 4 stars; one submission).

Submission:

Labcorp Genetics (formerly Invitae), Labcorp
Classification: Uncertain significance. Last evaluated: 2022-09-26. Review status: criteria provided, single submitter. Criteria: Invitae Variant Classification Sherloc (09022015). Collection method: clinical testing. Allele origin: germline.
Comment: This sequence change replaces arginine, which is basic and polar, with glycine, which is neutral and non-polar, at codon 230 of the ANXA11 protein (p.Arg230Gly). This variant is present in population databases (rs1049550, gnomAD 0.0009%). This variant has not been reported in the literature in individuals affected with ANXA11-related conditions. Algorithms developed to predict the effect of missense changes on protein structure and function are either unavailable or do not agree on the potential impact of this missense change (SIFT: "Deleterious"; PolyPhen-2: "Probably Damaging"; Align-GVGD: "Class C0"). In summary, the available evidence is currently insufficient to determine the role of this variant in disease. Therefore, it has been classified as a Variant of Uncertain Significance.

NM_145868.2(ANXA11):c.688C>G (p.Arg230Gly)

Gene: ANXA11 (annexin A11; minus strand). Cytogenetic location: 10q22.3.
Variant type: single nucleotide variant.
Coding change: c.688C>G on transcript NM_145868.2 (MANE Select); coding-DNA position 688, C replaced by G.
Protein change: p.Arg230Gly; replaces arginine 230 with glycine.
Molecular consequence: missense variant.
Genome position (GRCh38, 1-based): chr10:80,166,946, G>C on the plus strand (C>G on the coding strand, the complement: ANXA11 is on the minus strand). VCF-style: chr10-80166946-G-C. GRCh37 (hg19) VCF-style: chr10-81926702-G-C.
Other names: c.688C>G, p.Arg230Gly (NM_001157.3, NM_001278407.2, NM_001278408.2 and 1 more transcripts); c.589C>G, p.Arg197Gly (NM_001278409.2); short protein forms R197G, R230G.
Identifiers: ClinVar variation 2118784 (VCV002118784.4), dbSNP rs1049550, ClinGen allele CA5576176.